The following is an entry in ClinVar:

ClinVar aggregate classification (germline): Pathogenic (1 of 4 stars; one submission).

Conditions:
Purine-nucleoside phosphorylase deficiency. Also called: Immunodeficiency due to purine nucleoside phosphorylase deficiency; NUCLEOSIDE PHOSPHORYLASE DEFICIENCY. Identifiers: Orphanet 760, MedGen C0268125, MONDO:0013171, OMIM 613179.

Allele frequency attached by ClinVar (database versions not stated): gnomAD exomes below 0.00001 and 0.00001; TOPMed below 0.00001; gnomAD 0.00001.
gnomAD v4.1: 11 of 1,614,064 alleles (0.00068%); highest among the groups gnomAD compares: African/African-American, 0.0013%; no homozygotes.

Submission:

Labcorp Genetics (formerly Invitae), Labcorp
Classification: Pathogenic for Purine-nucleoside phosphorylase deficiency. Last evaluated: 2022-11-14. Review status: criteria provided, single submitter. Criteria: Invitae Variant Classification Sherloc (09022015). Collection method: clinical testing. Allele origin: germline.
Comment: This sequence change creates a premature translational stop signal (p.Arg234*) in the PNP gene. While this is not anticipated to result in nonsense mediated decay, it is expected to disrupt the last 56 amino acid(s) of the PNP protein. This variant is present in population databases (no rsID available, gnomAD 0.0009%). This premature translational stop signal has been observed in individual(s) with purine nucleoside phosphorylase deficiency (PMID: 15571269). In at least one individual the data is consistent with being in trans (on the opposite chromosome) from a pathogenic variant. ClinVar contains an entry for this variant (Variation ID: 1458553). This variant disrupts a region of the PNP protein in which other variant(s) (p.Arg234Pro) have been determined to be pathogenic (PMID: 1384322, 9067751, 22132981). This suggests that this is a clinically significant region of the protein, and that variants that disrupt it are likely to be disease-causing. For these reasons, this variant has been classified as Pathogenic.

Literature cited by the submitters: PubMed 15571269; PubMed 1384322; PubMed 9067751; PubMed 22132981.

NM_000270.4(PNP):c.700C>T (p.Arg234Ter)

Gene: PNP (purine nucleoside phosphorylase; plus strand). Cytogenetic location: 14q11.2.
Variant type: single nucleotide variant.
Coding change: c.700C>T on transcript NM_000270.4 (MANE Select); coding-DNA position 700, C replaced by T.
Protein change: p.Arg234Ter; replaces arginine 234 with a stop codon.
Molecular consequence: nonsense.
Genome position (GRCh38, 1-based): chr14:20,476,431, C>T. VCF-style: chr14-20476431-C-T. GRCh37 (hg19) VCF-style: chr14-20944590-C-T.
Other names: short protein forms R234*.
Identifiers: ClinVar variation 1458553 (VCV001458553.7), dbSNP rs896550845, ClinGen allele CA257418803.